The following is an entry in ClinVar:

ClinVar aggregate classification (germline): Uncertain significance (1 of 4 stars; one submission).

Allele frequency attached by ClinVar (database versions not stated): TOPMed below 0.00001.
gnomAD v4.1: 13 of 1,613,774 alleles (0.00081%); highest among the groups gnomAD compares: Admixed American, 0.018%; no homozygotes.

Submission:

Labcorp Genetics (formerly Invitae), Labcorp
Classification: Uncertain significance. Last evaluated: 2025-07-21. Review status: criteria provided, single submitter. Criteria: Invitae Variant Classification Sherloc (09022015). Collection method: clinical testing. Allele origin: germline.
Comment: This sequence change affects a donor splice site in intron 9 of the EGF gene. It is expected to disrupt RNA splicing. Variants that disrupt the donor or acceptor splice site typically lead to a loss of protein function (PMID: 16199547), however the current clinical and genetic evidence is not sufficient to establish whether loss-of-function variants in EGF cause disease. This variant is present in population databases (no rsID available, gnomAD 0.03%). This variant has not been reported in the literature in individuals affected with EGF-related conditions. ClinVar contains an entry for this variant (Variation ID: 1897990). Algorithms developed to predict the effect of sequence changes on RNA splicing suggest that this variant may disrupt the consensus splice site. In summary, the available evidence is currently insufficient to determine the role of this variant in disease. Therefore, it has been classified as a Variant of Uncertain Significance.

Literature cited by the submitters: PubMed 16199547.

NM_001963.6(EGF):c.1438+1G>T

Gene: EGF (epidermal growth factor; plus strand). Cytogenetic location: 4q25.
Variant type: single nucleotide variant.
Coding change: c.1438+1G>T on transcript NM_001963.6 (MANE Select); the canonical splice donor site of the intron after coding-DNA position 1438, G replaced by T.
Molecular consequence: splice donor variant.
Genome position (GRCh38, 1-based): chr4:109,963,299, G>T. VCF-style: chr4-109963299-G-T. GRCh37 (hg19) VCF-style: chr4-110884455-G-T.
Other names: c.1438+1G>T (NM_001178130.3); c.1312+1G>T (NM_001178131.3, NM_001357021.2).
Identifiers: ClinVar variation 1897990 (VCV001897990.5), dbSNP rs975502951, ClinGen allele CA103725957.
Genomic context (GRCh38, chr4:109,963,299, plus strand): 5'-AATGTGATTGCTTTCCTGGGTATGACCTACAACTGGATGAAAAAAGCTGTGCAGCTTCAG[G>T]TTAGTGCTGTGGTTGTCTGGAACTGTGTCCCTGAAAAAAAATTCATGAAAATCTTTTGTT-3'